The following is an entry in ClinVar:

NM_005989.4(AKR1D1):c.660C>G (p.Ser220Arg)

Gene: AKR1D1 (aldo-keto reductase family 1 member D1; plus strand). Cytogenetic location: 7q33.
Variant type: single nucleotide variant.
Coding change: c.660C>G on transcript NM_005989.4 (MANE Select); coding-DNA position 660, C replaced by G.
Protein change: p.Ser220Arg; replaces serine 220 with arginine.
Molecular consequence: missense variant.
Genome position (GRCh38, 1-based): chr7:138,106,688, C>G. VCF-style: chr7-138106688-C-G. GRCh37 (hg19) VCF-style: chr7-137791434-C-G.
Other names: c.537C>G, p.Ser179Arg (NM_001190906.2); c.660C>G, p.Ser220Arg (NM_001190907.2); short protein forms S179R, S220R.
Identifiers: ClinVar variation 3347250 (VCV003347250.1).

ClinVar aggregate classification (germline): Uncertain significance (0 of 4 stars; one submission).

Conditions:
AKR1D1-related disorder. Also called: AKR1D1-related condition.

Submission:

PreventionGenetics, part of Exact Sciences
Classification: Uncertain significance for AKR1D1-related condition. Last evaluated: 2024-08-05. Review status: no assertion criteria provided. Collection method: clinical testing. Allele origin: germline.
Comment: The AKR1D1 c.660C>G variant is predicted to result in the amino acid substitution p.Ser220Arg. To our knowledge, this variant has not been reported in the literature or in a large population database, indicating this variant is rare. At this time, the clinical significance of this variant is uncertain due to the absence of conclusive functional and genetic evidence.